The following is an entry in ClinVar:

NM_020778.5(ALPK3):c.1513G>A (p.Ala505Thr)

Genes: ALPK3 (alpha kinase 3; plus strand), LOC111718493 (skeletal muscle cis-regulatory module overlapping ALPK3; plus strand). Cytogenetic location: 15q25.3.
Variant type: single nucleotide variant.
Coding change: c.1513G>A on transcript NM_020778.5 (MANE Select); coding-DNA position 1513, G replaced by A.
Protein change: p.Ala505Thr; replaces alanine 505 with threonine.
Molecular consequence: missense variant.
Genome position (GRCh38, 1-based): chr15:84,840,792, G>A. VCF-style: chr15-84840792-G-A. GRCh37 (hg19) VCF-style: chr15-85384023-G-A.
Other names: short protein forms A505T.
Identifiers: ClinVar variation 1518743 (VCV001518743.4), dbSNP rs749765619, ClinGen allele CA7709203.

ClinVar aggregate classification (germline): Uncertain significance (1 of 4 stars; one submission).

Allele frequency attached by ClinVar (database versions not stated): ExAC 0.00002; gnomAD exomes 0.00002.

Submission:

Labcorp Genetics (formerly Invitae), Labcorp
Classification: Uncertain significance. Last evaluated: 2023-10-23. Review status: criteria provided, single submitter. Criteria: Invitae Variant Classification Sherloc (09022015). Collection method: clinical testing. Allele origin: germline.
Comment: This sequence change replaces alanine, which is neutral and non-polar, with threonine, which is neutral and polar, at codon 707 of the ALPK3 protein (p.Ala707Thr). This variant is present in population databases (rs749765619, gnomAD 0.02%). This variant has not been reported in the literature in individuals affected with ALPK3-related conditions. ClinVar contains an entry for this variant (Variation ID: 1518743). Advanced modeling of protein sequence and biophysical properties (such as structural, functional, and spatial information, amino acid conservation, physicochemical variation, residue mobility, and thermodynamic stability) performed at Invitae indicates that this missense variant is not expected to disrupt ALPK3 protein function. In summary, the available evidence is currently insufficient to determine the role of this variant in disease. Therefore, it has been classified as a Variant of Uncertain Significance.